The following is an entry in ClinVar:

NM_015338.6(ASXL1):c.2419G>A (p.Val807Ile)

Gene: ASXL1 (ASXL transcriptional regulator 1; plus strand). Cytogenetic location: 20q11.21.
Variant type: single nucleotide variant.
Coding change: c.2419G>A on transcript NM_015338.6 (MANE Select); coding-DNA position 2419, G replaced by A.
Protein change: p.Val807Ile; replaces valine 807 with isoleucine.
Molecular consequence: missense variant.
Genome position (GRCh38, 1-based): chr20:32,435,131, G>A. VCF-style: chr20-32435131-G-A. GRCh37 (hg19) VCF-style: chr20-31022934-G-A.
Other names: c.2236G>A, p.Val746Ile (NM_001363734.1); short protein forms V807I, V746I.
Identifiers: ClinVar variation 1487902 (VCV001487902.15), dbSNP rs138624526, ClinGen allele CA9808614.

ClinVar aggregate classification (germline): Benign/Likely benign. Review status: criteria provided, multiple submitters, no conflicts (2 of 4 stars). 2 submissions from 2 submitters: Benign (1); Likely benign (1). Last evaluated 2026-01-21.

Allele frequency attached by ClinVar (database versions not stated): ExAC 0.00007; TOPMed 0.00013; gnomAD 0.00015 and 0.00016; ESP Exome Variant Server 0.00023; 1000 Genomes Project 30x 0.00062; 1000 Genomes Project 0.00080.
gnomAD v4.1: 68 of 1,613,962 alleles (0.0042%); highest among the groups gnomAD compares: African/African-American, 0.039%; 1 homozygote.

Submissions (2):

Labcorp Genetics (formerly Invitae), Labcorp
Classification: Benign. Last evaluated: 2026-01-21. Review status: criteria provided, single submitter. Criteria: Invitae Variant Classification Sherloc (09022015). Collection method: clinical testing. Allele origin: germline.

CeGaT Center for Human Genetics Tuebingen
Classification: Likely benign. Last evaluated: 2025-09-01. Review status: criteria provided, single submitter. Criteria: CeGaT Center For Human Genetics Tuebingen Variant Classification Criteria Version 2. Collection method: clinical testing. Allele origin: germline. Affected: yes. Observed: 1 variant allele.
Comment: ASXL1: BP4